The following is an entry in ClinVar:

NM_006445.4(PRPF8):c.4080AGA[1] (p.Glu1361del)

Gene: PRPF8 (pre-mRNA processing factor 8; minus strand). Cytogenetic location: 17p13.3.
Variant type: Microsatellite.
Coding change: c.4080AGA[1] on transcript NM_006445.4 (MANE Select); one copy of the 3-base unit AGA starting at c.4080; the reference has two copies in a row; one copy, 3 bases deleted; also written c.4083_4085del.
Protein change: p.Glu1361del; deletes glutamic acid 1361.
Molecular consequence: inframe deletion.
Genome position (GRCh38, 1-based): chr17:1,661,728-1,661,730, TCT deleted on the plus strand (AGA on the coding strand, the reverse complement: PRPF8 is on the minus strand); deleting any 3 consecutive bases within chr17:1,661,728-1,661,735 gives the same sequence; the position shown is the placement nearest the transcript's 3' end. VCF-style (leftmost placement, unchanged base first): chr17-1661727-GTCT-G. GRCh37 (hg19) VCF-style: chr17-1565021-GTCT-G.
Other names: p.Glu1361del; c.4083_4085del (NM_006445.4); short protein forms E1361del.
Identifiers: ClinVar variation 4857718 (VCV004857718.1).

ClinVar aggregate classification (germline): VUS-mid (1 of 4 stars; one submission).

Conditions:
Complex neurodevelopmental disorder. Identifiers: Orphanet 528084, MedGen C5568766, MONDO:0100038.

Submission:

Center of Excellence of Human Genetics, National Research Center
Classification: VUS-mid for Complex neurodevelopmental disorder. Review status: criteria provided, single submitter. Criteria: ACMG Guidelines, 2015. Collection method: clinical testing. Allele origin: de novo. Inheritance: Autosomal dominant inheritance. Affected: yes.
Comment: The detected variant in PRPF8 gene is a three-base deletion resulted in the deletion of glutamine amino acid in codon 1361. The protein-coding length changes as a result of an in-frame variant in PRPF8, and this variant is not located in a repeat region. The variant is absent from population databases. The aggregated prediction of this variant is of uncertain score. So, it is classified as VUS.

Literature cited by the submitters: PubMed 35543142.